The following is an entry in ClinVar:

ClinVar aggregate classification (germline): Uncertain significance (1 of 4 stars; one submission).

Conditions:
Hereditary spastic paraplegia 2 (SPG2). Also called: SPASTIC PARAPLEGIA 2, X-LINKED; Spastic Paraplegia 2 (SPG2). Identifiers: Orphanet 99015, MedGen C0751604, MONDO:0010733, OMIM 312920.

Submission:

Labcorp Genetics (formerly Invitae), Labcorp
Classification: Uncertain significance for Hereditary spastic paraplegia 2. Last evaluated: 2022-05-18. Review status: criteria provided, single submitter. Criteria: Invitae Variant Classification Sherloc (09022015). Collection method: clinical testing. Allele origin: germline.
Comment: This missense change has been observed in individual(s) with Pelizaeus-Merzbacher disease and/or spastic paraplegia (PMID: 18470932). This variant is not present in population databases (gnomAD no frequency). This sequence change replaces phenylalanine, which is neutral and non-polar, with serine, which is neutral and polar, at codon 233 of the PLP1 protein (p.Phe233Ser). In summary, the available evidence is currently insufficient to determine the role of this variant in disease. Therefore, it has been classified as a Variant of Uncertain Significance. Algorithms developed to predict the effect of missense changes on protein structure and function are either unavailable or do not agree on the potential impact of this missense change (SIFT: "Not Available"; PolyPhen-2: "Probably Damaging"; Align-GVGD: "Not Available").

Literature cited by the submitters: PubMed 18470932.

NM_000533.5(PLP1):c.698T>C (p.Phe233Ser)

Genes: RAB9B (RAB9B, member RAS oncogene family; minus strand), PLP1 (proteolipid protein 1; plus strand). Cytogenetic location: Xq22.2.
Variant type: single nucleotide variant.
Coding change: c.698T>C on transcript NM_000533.5 (MANE Select); coding-DNA position 698, T replaced by C.
Protein change: p.Phe233Ser; replaces phenylalanine 233 with serine.
Molecular consequence: missense variant.
Genome position (GRCh38, 1-based): chrX:103,789,334, T>C. VCF-style: chrX-103789334-T-C. GRCh37 (hg19) VCF-style: chrX-103044263-T-C.
Other names: c.698T>C, p.Phe233Ser (NM_001128834.3); c.533T>C, p.Phe178Ser (NM_001305004.1); c.593T>C, p.Phe198Ser (NM_199478.3); short protein forms F178S, F198S, F233S.
Identifiers: ClinVar variation 2138680 (VCV002138680.4), dbSNP rs2522322606, ClinGen allele CA414104503.